The following is an entry in ClinVar:

NM_022124.6(CDH23):c.9738+6C>T

Gene: CDH23 (cadherin related 23; plus strand). Cytogenetic location: 10q22.1.
Variant type: single nucleotide variant.
Coding change: c.9738+6C>T on transcript NM_022124.6 (MANE Select); 6 bases into the intron after coding-DNA position 9738, C replaced by T.
Molecular consequence: intron variant.
Genome position (GRCh38, 1-based): chr10:71,813,354, C>T. VCF-style: chr10-71813354-C-T. GRCh37 (hg19) VCF-style: chr10-73573111-C-T.
Other names: c.3018+6C>T (NM_001171933.1); c.2913+464C>T (NM_001171934.1); c.429+6C>T (NM_001171935.1); c.324+464C>T (NM_001171936.1).
Identifiers: ClinVar variation 178951 (VCV000178951.8), dbSNP rs727504562, ClinGen allele CA183370.

ClinVar aggregate classification (germline): Conflicting classifications of pathogenicity. Review status: criteria provided, conflicting classifications (1 of 4 stars). 3 submissions from 3 submitters: Uncertain significance (2); Likely benign (1). Last evaluated 2022-06-30.

Allele frequency attached by ClinVar (database versions not stated): gnomAD 0.00001; gnomAD exomes 0.00001; TOPMed 0.00002; ExAC 0.00005.
gnomAD v4.1: 14 of 1,550,684 alleles (0.0009%); highest among the groups gnomAD compares: Admixed American, 0.0059%; no homozygotes.

Submissions (3):

Blueprint Genetics
Classification: Uncertain significance. Last evaluated: 2022-06-30. Review status: criteria provided, single submitter. Criteria: ACMG Guidelines, 2015. Collection method: clinical testing. Allele origin: germline.

Labcorp Genetics (formerly Invitae), Labcorp
Classification: Uncertain significance. Last evaluated: 2021-09-01. Review status: criteria provided, single submitter. Criteria: Invitae Variant Classification Sherloc (09022015). Collection method: clinical testing. Allele origin: germline.
Comment: This sequence change falls in intron 69 of the CDH23 gene. It does not directly change the encoded amino acid sequence of the CDH23 protein. It affects a nucleotide within the consensus splice site of the intron. This variant is present in population databases (rs727504562, ExAC 0.01%). This variant has not been reported in the literature in individuals affected with CDH23-related conditions. ClinVar contains an entry for this variant (Variation ID: 178951). Variants that disrupt the consensus splice site are a relatively common cause of aberrant splicing (PMID: 17576681, 9536098). Algorithms developed to predict the effect of sequence changes on RNA splicing suggest that this variant is not likely to affect RNA splicing. In summary, the available evidence is currently insufficient to determine the role of this variant in disease. Therefore, it has been classified as a Variant of Uncertain Significance.

Laboratory for Molecular Medicine, Mass General Brigham Personalized Medicine
Classification: Likely benign. Last evaluated: 2013-11-06. Review status: criteria provided, single submitter. Criteria: LMM Criteria. Collection method: clinical testing. Allele origin: germline. Observed: 1 variant allele.
Comment: 9738+6C>T in Intron 69 of CDH23: This variant is not expected to have clinical s ignificance because it does not diverge from the splice site consensus sequence and computational tools do not predict an impact to splicing.

Literature cited by the submitters: PubMed 17576681 (cited by Labcorp Genetics (formerly Invitae), Labcorp); PubMed 9536098 (cited by Labcorp Genetics (formerly Invitae), Labcorp).